The following is an entry in ClinVar:

NM_000057.4(BLM):c.3658G>A (p.Gly1220Arg)

Gene: BLM (BLM RecQ like helicase; plus strand). Cytogenetic location: 15q26.1.
Variant type: single nucleotide variant.
Coding change: c.3658G>A on transcript NM_000057.4 (MANE Select); coding-DNA position 3658, G replaced by A.
Protein change: p.Gly1220Arg; replaces glycine 1220 with arginine.
Molecular consequence: missense variant. On other transcripts: intron variant (1).
Genome position (GRCh38, 1-based): chr15:90,804,266, G>A. VCF-style: chr15-90804266-G-A. GRCh37 (hg19) VCF-style: chr15-91347496-G-A.
Other names: c.3658G>A, p.Gly1220Arg (NM_001287246.2); c.2533G>A, p.Gly845Arg (NM_001287248.2); c.3359-4871G>A (NM_001287247.2); c.3658G>A (NM_000057.2); short protein forms G1220R, G845R.
Identifiers: ClinVar variation 568044 (VCV000568044.12), dbSNP rs1567063212, ClinGen allele CA393848102.

ClinVar aggregate classification (germline): Uncertain significance. Review status: criteria provided, multiple submitters, no conflicts (2 of 4 stars). 2 submissions from 2 submitters: Uncertain significance (2). Last evaluated 2025-10-13.

Conditions:
Hereditary cancer-predisposing syndrome. Also called: Neoplastic Syndromes, Hereditary; Tumor predisposition; Hereditary neoplastic syndrome; Hereditary Cancer Syndrome. Identifiers: Orphanet 140162, MedGen C0027672, MeSH D009386, MONDO:0015356.
Bloom syndrome (BLM). Also called: Bloom-Torre-Machacek syndrome. Identifiers: Orphanet 125, MedGen C0005859, MONDO:0008876, OMIM 210900.

Allele frequency attached by ClinVar (database versions not stated): gnomAD exomes below 0.00001.
gnomAD v4.1: 1 of 1,614,064 alleles (0.000062%); highest among the groups gnomAD compares: Admixed American, 0.0017%; no homozygotes.

Submissions (2):

Labcorp Genetics (formerly Invitae), Labcorp
Classification: Uncertain significance for Bloom syndrome. Last evaluated: 2025-10-13. Review status: criteria provided, single submitter. Criteria: Invitae Variant Classification Sherloc (09022015). Collection method: clinical testing. Allele origin: germline.
Comment: This sequence change replaces glycine, which is neutral and non-polar, with arginine, which is basic and polar, at codon 1220 of the BLM protein (p.Gly1220Arg). This variant is not present in population databases (gnomAD no frequency). This variant has not been reported in the literature in individuals affected with BLM-related conditions. ClinVar contains an entry for this variant (Variation ID: 568044). Invitae Evidence Modeling of protein sequence and biophysical properties (such as structural, functional, and spatial information, amino acid conservation, physicochemical variation, residue mobility, and thermodynamic stability) indicates that this missense variant is not expected to disrupt BLM protein function with a negative predictive value of 80%. Algorithms developed to predict the effect of sequence changes on RNA splicing suggest that this variant may disrupt the consensus splice site. In summary, the available evidence is currently insufficient to determine the role of this variant in disease. Therefore, it has been classified as a Variant of Uncertain Significance.

Ambry Genetics
Classification: Uncertain significance for Hereditary cancer-predisposing syndrome. Last evaluated: 2024-01-29. Review status: criteria provided, single submitter. Criteria: Ambry Variant Classification Scheme 2023. Collection method: clinical testing. Allele origin: germline.
Comment: The p.G1220R variant (also known as c.3658G>A), located in coding exon 18 of the BLM gene, results from a G to A substitution at nucleotide position 3658. The glycine at codon 1220 is replaced by arginine, an amino acid with dissimilar properties. This amino acid position is conserved. In addition, this alteration is predicted to be tolerated by in silico analysis. Based on the available evidence, the clinical significance of this alteration remains unclear.